The following is an entry in ClinVar:

NM_015311.3(OBSL1):c.5210C>A (p.Thr1737Lys)

Gene: OBSL1 (obscurin like cytoskeletal adaptor 1; minus strand). Cytogenetic location: 2q35.
Variant type: single nucleotide variant.
Coding change: c.5210C>A on transcript NM_015311.3 (MANE Select); coding-DNA position 5210, C replaced by A.
Protein change: p.Thr1737Lys; replaces threonine 1737 with lysine.
Molecular consequence: missense variant.
Genome position (GRCh38, 1-based): chr2:219,552,634, G>T on the plus strand (C>A on the coding strand, the complement: OBSL1 is on the minus strand). VCF-style: chr2-219552634-G-T. GRCh37 (hg19) VCF-style: chr2-220417356-G-T.
Other names: short protein forms T1737K.
Identifiers: ClinVar variation 734569 (VCV000734569.30), dbSNP rs199594182, ClinGen allele CA2130321.

ClinVar aggregate classification (germline): Conflicting classifications of pathogenicity. Review status: criteria provided, conflicting classifications (1 of 4 stars). 7 submissions from 7 submitters: Uncertain significance (1); Likely benign (4). 2 of the submissions do not count toward it. Last evaluated 2026-02-01.

Conditions:
3M syndrome 2. Also called: THREE M SYNDROME 2; 3-M Syndrome, OBSL1-Related. Identifiers: Orphanet 2616, MedGen C2752041, MONDO:0013039, OMIM 612921.

Allele frequency attached by ClinVar (database versions not stated): 1000 Genomes Project 0.00020; ExAC 0.00143; 1000 Genomes Project 30x 0.00156; TOPMed 0.00167; ESP Exome Variant Server 0.00169.
gnomAD v4.1: 3,526 of 1,560,014 alleles (0.23%); highest among the groups gnomAD compares: Non-Finnish European, 0.29%; 5 homozygotes.

Submissions (7):

CeGaT Center for Human Genetics Tuebingen
Classification: Likely benign. Last evaluated: 2026-02-01. Review status: criteria provided, single submitter. Criteria: CeGaT Center For Human Genetics Tuebingen Variant Classification Criteria Version 2. Collection method: clinical testing. Allele origin: germline. Affected: yes. Observed: 2 variant alleles.
Comment: OBSL1: BS2

Labcorp Genetics (formerly Invitae), Labcorp
Classification: Likely benign. Last evaluated: 2026-01-26. Review status: criteria provided, single submitter. Criteria: Invitae Variant Classification Sherloc (09022015). Collection method: clinical testing. Allele origin: germline.

Blueprint Genetics
Classification: Likely benign. Last evaluated: 2024-11-25. Review status: criteria provided, single submitter. Criteria: ACMG Guidelines, 2015. Collection method: clinical testing. Allele origin: germline.

Women's Health and Genetics/Laboratory Corporation of America, LabCorp
Classification: Likely benign. Last evaluated: 2024-06-14. Review status: criteria provided, single submitter. Criteria: LabCorp Variant Classification Summary - May 2015. Collection method: clinical testing. Allele origin: germline.
Comment: Variant summary: OBSL1 c.5210C>A (p.Thr1737Lys) results in a non-conservative amino acid change located in the Immunoglobulin subtype domain (IPR003599) of the encoded protein sequence. Three of five in-silico tools predict a damaging effect of the variant on protein function. The variant allele was found at a frequency of 0.0023 in 1560014 control chromosomes, predominantly at a frequency of 0.0029 within the Non-Finnish European subpopulation in the gnomAD database, including 4 homozygotes. The observed variant frequency within Non-Finnish European control individuals in the gnomAD database is approximately 3-fold of the estimated maximal expected allele frequency for a pathogenic variant in OBSL1 causing Three M Syndrome 2 phenotype (0.0011). To our knowledge, no occurrence of c.5210C>A in individuals affected with Three M Syndrome 2 and no experimental evidence demonstrating its impact on protein function have been reported. ClinVar contains an entry for this variant (Variation ID: 734569). Based on the evidence outlined above, the variant was classified as likely benign.

Illumina Laboratory Services, Illumina
Classification: Uncertain significance for 3M syndrome 2. Last evaluated: 2018-01-13. Review status: criteria provided, single submitter. Criteria: ICSL Variant Classification Criteria 13 December 2019. Collection method: clinical testing. Allele origin: germline.

Genome Diagnostics Laboratory, University Medical Center Utrecht
Classification: Likely benign. Review status: no assertion criteria provided. Collection method: clinical testing. Allele origin: germline. Affected: yes. Study: VKGL Data-share Consensus. Not counted in ClinVar's aggregate classification.

Laboratory of Diagnostic Genome Analysis, Leiden University Medical Center (LUMC)
Classification: Likely benign. Review status: no assertion criteria provided. Collection method: clinical testing. Allele origin: germline. Affected: yes. Study: VKGL Data-share Consensus. Not counted in ClinVar's aggregate classification.